The following is an entry in ClinVar:

GRCh38/hg38 15q21.2(chr15:50923067-50925830)x0

Gene: AP4E1 (adaptor related protein complex 4 subunit epsilon 1; plus strand). Cytogenetic location: 15q21.2.
Variant type: copy number loss.
Change: copy number 0 (both copies lost) of chr15:50,923,067-50,925,830 (2.8 kb, GRCh38 coordinates, 1-based), cytogenetic band 15q21.2.
Identifiers: ClinVar variation 2579247 (VCV002579247.1).

ClinVar aggregate classification (germline): Pathogenic (1 of 4 stars; one submission).

Conditions:
Hereditary spastic paraplegia 51. Also called: CEREBRAL PALSY, SPASTIC QUADRIPLEGIC, 4; Spastic paraplegia 51, autosomal recessive. Identifiers: Orphanet 280763, MedGen C3151056, MONDO:0013401, OMIM 613744.

Submission:

Broad Center for Mendelian Genomics, Broad Institute of MIT and Harvard
Classification: Pathogenic for Hereditary spastic paraplegia 51. Last evaluated: 2023-08-24. Review status: criteria provided, single submitter. Criteria: ACMG/ClinGen CNV Guidelines, 2019. Collection method: research. Allele origin: unknown. Inheritance: Autosomal recessive inheritance. Affected: yes.
Comment: Inheritance information is unavailable. The patient phenotype is nonspecific, but is consistent with cases described in the literature and/or published databases with overlapping variants. This intragenic variant is predicted to cause a frameshift, which alters the protein’s amino acid sequence beginning at exon 4 and leads to a premature termination codon. This alteration is then predicted to lead to a truncated or absent protein. Loss of function of AP4E1 is an established disease mechanism in autosomal recessive spastic paraplegia. In summary, this variant meets criteria to be classified as pathogenic for autosomal recessive spastic paraplegia. The ACMG/ClinGen evidence codes and points used in this curation are as follows: 1: 0 points, 2: 0.9 points, 3: 0 points, 4-5: 0.15 points; Total: 1.05 points; Riggs 2020 (PMID: 31690835).